The following is an entry in ClinVar:

ClinVar aggregate classification (germline): Uncertain significance. Review status: criteria provided, multiple submitters, no conflicts (2 of 4 stars). 4 submissions from 4 submitters: Uncertain significance (4). Last evaluated 2026-05-19.

Conditions:
Hypertrophic cardiomyopathy 14. Identifiers: MedGen C2750467, MONDO:0013197, OMIM 613251.
MYH6-related disorder. Also called: MYH6-related condition; MYH6-Related Disorders.
Cardiovascular phenotype. Identifiers: MedGen CN230736.

Allele frequency attached by ClinVar (database versions not stated): ExAC 0.00001; ESP Exome Variant Server 0.00008.
gnomAD v4.1: 8 of 1,613,988 alleles (0.0005%); highest among the groups gnomAD compares: South Asian, 0.0011%; no homozygotes.

Submissions (4):

Ambry Genetics
Classification: Uncertain significance for Cardiovascular phenotype. Last evaluated: 2026-05-19. Review status: criteria provided, single submitter. Criteria: Ambry Variant Classification Scheme 2023. Collection method: clinical testing. Allele origin: germline.

PreventionGenetics, part of Exact Sciences
Classification: Uncertain significance for MYH6-related condition. Last evaluated: 2025-06-03. Review status: criteria provided, single submitter. Criteria: ACMG Guidelines, 2015. Collection method: clinical testing. Allele origin: germline.
Comment: The MYH6 c.1949C>T variant is predicted to result in the amino acid substitution p.Ser650Leu. To our knowledge, this variant has not been reported in the literature. This variant is reported in 1 allele out of 31,378 alleles in gnomAD. At this time, the clinical significance of this variant is uncertain due to the absence of conclusive functional and genetic evidence.

Labcorp Genetics (formerly Invitae), Labcorp
Classification: Uncertain significance for Hypertrophic cardiomyopathy 14. Last evaluated: 2023-06-25. Review status: criteria provided, single submitter. Criteria: Invitae Variant Classification Sherloc (09022015). Collection method: clinical testing. Allele origin: germline.
Comment: This variant is present in population databases (rs372300127, gnomAD 0.0008%). This variant has not been reported in the literature in individuals affected with MYH6-related conditions. ClinVar contains an entry for this variant (Variation ID: 1051563). Advanced modeling of protein sequence and biophysical properties (such as structural, functional, and spatial information, amino acid conservation, physicochemical variation, residue mobility, and thermodynamic stability) performed at Invitae indicates that this missense variant is expected to disrupt MYH6 protein function. In summary, the available evidence is currently insufficient to determine the role of this variant in disease. Therefore, it has been classified as a Variant of Uncertain Significance. This sequence change replaces serine, which is neutral and polar, with leucine, which is neutral and non-polar, at codon 650 of the MYH6 protein (p.Ser650Leu).

GeneDx
Classification: Uncertain significance. Last evaluated: 2023-02-02. Review status: criteria provided, single submitter. Criteria: GeneDx Variant Classification Process June 2021. Collection method: clinical testing. Allele origin: germline. Affected: yes.
Comment: Has not been previously published as pathogenic or benign to our knowledge; Not observed at a significant frequency in large population cohorts (gnomAD); In silico analysis, which includes protein predictors and evolutionary conservation, supports a deleterious effect

NM_002471.4(MYH6):c.1949C>T (p.Ser650Leu)

Gene: MYH6 (myosin heavy chain 6; minus strand). Cytogenetic location: 14q11.2.
Variant type: single nucleotide variant.
Coding change: c.1949C>T on transcript NM_002471.4 (MANE Select); coding-DNA position 1949, C replaced by T.
Protein change: p.Ser650Leu; replaces serine 650 with leucine.
Molecular consequence: missense variant.
Genome position (GRCh38, 1-based): chr14:23,397,556, G>A on the plus strand (C>T on the coding strand, the complement: MYH6 is on the minus strand). VCF-style: chr14-23397556-G-A. GRCh37 (hg19) VCF-style: chr14-23866765-G-A.
Other names: short protein forms S650L.
Identifiers: ClinVar variation 1051563 (VCV001051563.16), dbSNP rs372300127, ClinGen allele CA7115657.